The following is an entry in ClinVar:

NM_000133.4(F9):c.148G>A (p.Gly50Ser)

Gene: F9 (coagulation factor IX; plus strand). Cytogenetic location: Xq27.1.
Variant type: single nucleotide variant.
Coding change: c.148G>A on transcript NM_000133.4 (MANE Select); coding-DNA position 148, G replaced by A.
Protein change: p.Gly50Ser; replaces glycine 50 with serine.
Molecular consequence: missense variant.
Genome position (GRCh38, 1-based): chrX:139,537,069, G>A. VCF-style: chrX-139537069-G-A. GRCh37 (hg19) VCF-style: chrX-138619228-G-A.
Other names: c.148G>A, p.Gly50Ser (NM_001313913.2); short protein forms G50S.
Identifiers: ClinVar variation 454495 (VCV000454495.11), dbSNP rs1556435940, ClinGen allele CA414435668.

ClinVar aggregate classification (germline): Pathogenic/Likely pathogenic. Review status: criteria provided, multiple submitters, no conflicts (2 of 4 stars). 2 submissions from 2 submitters: Pathogenic (1); Likely pathogenic (1). Last evaluated 2026-03-27.

Conditions:
Thrombophilia, X-linked, due to factor 9 defect. Identifiers: MedGen C2749016, MONDO:0010432, OMIM 300807.
Hereditary factor IX deficiency disease (HEMB). Also called: F9 DEFICIENCY; FACTOR IX DEFICIENCY; Christmas Disease; PLASMA THROMBOPLASTIN COMPONENT DEFICIENCY; Hemophilia B. Identifiers: Orphanet 98879, MedGen C0008533, MeSH D002836, MONDO:0010604, OMIM 306900.

Allele frequency attached by ClinVar (database versions not stated): gnomAD exomes below 0.00001.
gnomAD v4.1: 4 of 1,210,521 alleles (0.00033%); highest among the groups gnomAD compares: East Asian, 0.003%; no homozygotes.

Submissions (2):

GeneDx
Classification: Likely pathogenic. Last evaluated: 2026-03-27. Review status: criteria provided, single submitter. Criteria: GeneDx Variant Classification Process June 2021. Collection method: clinical testing. Allele origin: germline.
Comment: In silico analysis suggests that this missense variant does not alter protein structure/function; Not observed at significant frequency in large population cohorts (gnomAD); This variant is associated with the following publications: (PMID: 8091381, 7937052, 19699296, 27213901, 8594556)

Labcorp Genetics (formerly Invitae), Labcorp
Classification: Pathogenic for Thrombophilia, X-linked, due to factor 9 defect; Hereditary factor IX deficiency disease. Last evaluated: 2022-09-13. Review status: criteria provided, single submitter. Criteria: Invitae Variant Classification Sherloc (09022015). Collection method: clinical testing. Allele origin: germline.
Comment: This sequence change replaces glycine, which is neutral and non-polar, with serine, which is neutral and polar, at codon 50 of the F9 protein (p.Gly50Ser). This variant is not present in population databases (gnomAD no frequency). This missense change has been observed in individuals with mild hemophilia B (PMID: 8091381, 8594556, 19699296, 27213901; Invitae). ClinVar contains an entry for this variant (Variation ID: 454495). Advanced modeling of protein sequence and biophysical properties (such as structural, functional, and spatial information, amino acid conservation, physicochemical variation, residue mobility, and thermodynamic stability) performed at Invitae indicates that this missense variant is expected to disrupt F9 protein function. For these reasons, this variant has been classified as Pathogenic.

Literature cited by the submitters: PubMed 8091381 (cited by Labcorp Genetics (formerly Invitae), Labcorp); PubMed 8594556 (cited by Labcorp Genetics (formerly Invitae), Labcorp); PubMed 19699296 (cited by Labcorp Genetics (formerly Invitae), Labcorp); PubMed 27213901 (cited by Labcorp Genetics (formerly Invitae), Labcorp).